The following is an entry in ClinVar:

NM_022765.4(MICAL1):c.2556G>C (p.Trp852Cys)

Gene: MICAL1 (microtubule associated monooxygenase, calponin and LIM domain containing 1; minus strand). Cytogenetic location: 6q21.
Variant type: single nucleotide variant.
Coding change: c.2556G>C on transcript NM_022765.4 (MANE Select); coding-DNA position 2556, G replaced by C.
Protein change: p.Trp852Cys; replaces tryptophan 852 with cysteine.
Molecular consequence: missense variant.
Genome position (GRCh38, 1-based): chr6:109,446,161, C>G on the plus strand (G>C on the coding strand, the complement: MICAL1 is on the minus strand). VCF-style: chr6-109446161-C-G. GRCh37 (hg19) VCF-style: chr6-109767364-C-G.
Other names: c.2298G>C, p.Trp766Cys (NM_001159291.2); c.2613G>C, p.Trp871Cys (NM_001286613.2); c.2556G>C (NM_022765.3); short protein forms W766C, W852C, W871C.
Identifiers: ClinVar variation 2167401 (VCV002167401.6), dbSNP rs138772971, ClinGen allele CA3952859.

ClinVar aggregate classification (germline): Uncertain significance. Review status: criteria provided, multiple submitters, no conflicts (2 of 4 stars). 2 submissions from 2 submitters: Uncertain significance (2). Last evaluated 2025-12-08.

Allele frequency attached by ClinVar (database versions not stated): ExAC 0.00001; TOPMed 0.00001; gnomAD 0.00002; ESP Exome Variant Server 0.00008.
gnomAD v4.1: 69 of 1,561,446 alleles (0.0044%); highest among the groups gnomAD compares: Non-Finnish European, 0.0056%; no homozygotes.

Submissions (2):

Labcorp Genetics (formerly Invitae), Labcorp
Classification: Uncertain significance. Last evaluated: 2025-12-08. Review status: criteria provided, single submitter. Criteria: Invitae Variant Classification Sherloc (09022015). Collection method: clinical testing. Allele origin: germline.
Comment: This sequence change replaces tryptophan, which is neutral and slightly polar, with cysteine, which is neutral and slightly polar, at codon 871 of the MICAL1 protein (p.Trp871Cys). This variant is present in population databases (rs138772971, gnomAD 0.006%). This variant has not been reported in the literature in individuals affected with MICAL1-related conditions. ClinVar contains an entry for this variant (Variation ID: 2167401). An algorithm developed to predict the effect of missense changes on protein structure and function (PolyPhen-2) suggests that this variant is likely to be disruptive. In summary, the available evidence is currently insufficient to determine the role of this variant in disease. Therefore, it has been classified as a Variant of Uncertain Significance.

Ambry Genetics
Classification: Uncertain significance. Last evaluated: 2023-03-27. Review status: criteria provided, single submitter. Criteria: Ambry Variant Classification Scheme 2023. Collection method: clinical testing. Allele origin: germline.